The following is an entry in ClinVar:

ClinVar aggregate classification (germline): Uncertain significance (1 of 4 stars; one submission).

Allele frequency attached by ClinVar (database versions not stated): gnomAD 0.00001.
gnomAD v4.1: 3 of 1,613,988 alleles (0.00019%); highest among the groups gnomAD compares: African/African-American, 0.004%; no homozygotes.

Submission:

Ambry Genetics
Classification: Uncertain significance. Last evaluated: 2023-07-15. Review status: criteria provided, single submitter. Criteria: Ambry Variant Classification Scheme 2023. Collection method: clinical testing. Allele origin: germline.
Comment: The p.I833S variant (also known as c.2498T>G), located in coding exon 17 of the CTNNA3 gene, results from a T to G substitution at nucleotide position 2498. The isoleucine at codon 833 is replaced by serine, an amino acid with dissimilar properties. This amino acid position is conserved. In addition, this alteration is predicted to be tolerated by in silico analysis. Since supporting evidence is limited at this time, the clinical significance of this alteration remains unclear.

NM_013266.4(CTNNA3):c.2498T>G (p.Ile833Ser)

Gene: CTNNA3 (catenin alpha 3; minus strand). Cytogenetic location: 10q21.3.
Variant type: single nucleotide variant.
Coding change: c.2498T>G on transcript NM_013266.4 (MANE Select); coding-DNA position 2498, T replaced by G.
Protein change: p.Ile833Ser; replaces isoleucine 833 with serine.
Molecular consequence: missense variant.
Genome position (GRCh38, 1-based): chr10:65,920,520, A>C on the plus strand (T>G on the coding strand, the complement: CTNNA3 is on the minus strand). VCF-style: chr10-65920520-A-C. GRCh37 (hg19) VCF-style: chr10-67680278-A-C.
Other names: c.2498T>G, p.Ile833Ser (NM_001127384.3); short protein forms I833S.
Identifiers: ClinVar variation 2624631 (VCV002624631.2), dbSNP rs753029606, ClinGen allele CA377088978.